The following is an entry in ClinVar:

ClinVar aggregate classification (germline): Pathogenic (1 of 4 stars; one submission).

Conditions:
Cerebral cavernous malformation (CCM). Also called: CEREBRAL CAPILLARY MALFORMATIONS; Cerebral cavernous hemangioma (type); CAVERNOUS ANGIOMA, FAMILIAL; CAVERNOUS ANGIOMATOUS MALFORMATIONS; Cavernous Hemangioma of Brain; Cerebral cavernous malformations. Identifiers: Orphanet 221061, MedGen C2919945, MONDO:0000820, OMIM 116860, HP:0033522.

Submission:

Labcorp Genetics (formerly Invitae), Labcorp
Classification: Pathogenic for Cerebral cavernous malformation. Last evaluated: 2019-11-20. Review status: criteria provided, single submitter. Criteria: Invitae Variant Classification Sherloc (09022015). Collection method: clinical testing. Allele origin: germline.
Comment: For these reasons, this variant has been classified as Pathogenic. Loss-of-function variants in KRIT1 are known to be pathogenic (PMID: 10508515, 11222804, 12404106, 24689081). This variant has not been reported in the literature in individuals with KRIT1-related conditions. This variant is not present in population databases (ExAC no frequency). This sequence change creates a premature translational stop signal (p.Val422Phefs*15) in the KRIT1 gene. It is expected to result in an absent or disrupted protein product.

Literature cited by the submitters: PubMed 10508515; PubMed 11222804; PubMed 12404106; PubMed 24689081.

NM_194454.3(KRIT1):c.1263del (p.Val422fs)

Gene: KRIT1 (KRIT1 ankyrin repeat containing; minus strand). Cytogenetic location: 7q21.2.
Variant type: Deletion.
Coding change: c.1263del on transcript NM_194454.3 (MANE Select); coding-DNA position 1263, one base deleted (A; older notation c.1263delA).
Protein change: p.Val422fs; shifts the reading frame from valine 422.
Molecular consequence: frameshift variant.
Genome position (GRCh38, 1-based): chr7:92,222,970, T deleted on the plus strand (A on the coding strand, the reverse complement: KRIT1 is on the minus strand); the first of 5 consecutive T bases (chr7:92,222,970-92,222,974); deleting any one gives the same sequence. VCF-style (leftmost placement, unchanged base first): chr7-92222969-CT-C. GRCh37 (hg19) VCF-style: chr7-91852283-CT-C.
Other names: c.1119del, p.Val374fs (NM_001013406.2, NM_001350669.1, NM_001350670.1); c.549del, p.Val184fs (NM_001350671.1); c.1263del, p.Val422fs (NM_001350672.1, NM_001350673.1, NM_001350674.1 and 26 more transcripts); short protein forms V422fs, V374fs, V184fs.
Identifiers: ClinVar variation 839732 (VCV000839732.8), dbSNP rs1795435288, ClinGen allele CA916082302.